The following is an entry in ClinVar:

ClinVar aggregate classification (germline): Uncertain significance (1 of 4 stars; one submission).

Submission:

Labcorp Genetics (formerly Invitae), Labcorp
Classification: Uncertain significance. Last evaluated: 2025-08-11. Review status: criteria provided, single submitter. Criteria: Invitae Variant Classification Sherloc (09022015). Collection method: clinical testing. Allele origin: germline.
Comment: This sequence change replaces proline, which is neutral and non-polar, with leucine, which is neutral and non-polar, at codon 939 of the COL11A1 protein (p.Pro939Leu). This variant is not present in population databases (gnomAD no frequency). This variant has not been reported in the literature in individuals affected with COL11A1-related conditions. Invitae Evidence Modeling of protein sequence and biophysical properties (such as structural, functional, and spatial information, amino acid conservation, physicochemical variation, residue mobility, and thermodynamic stability) indicates that this missense variant is not expected to disrupt COL11A1 protein function with a negative predictive value of 80%. In summary, the available evidence is currently insufficient to determine the role of this variant in disease. Therefore, it has been classified as a Variant of Uncertain Significance.

NM_001854.4(COL11A1):c.2816C>T (p.Pro939Leu)

Gene: COL11A1 (collagen type XI alpha 1 chain; minus strand). Cytogenetic location: 1p21.1.
Variant type: single nucleotide variant.
Coding change: c.2816C>T on transcript NM_001854.4 (MANE Select); coding-DNA position 2816, C replaced by T.
Protein change: p.Pro939Leu; replaces proline 939 with leucine.
Molecular consequence: missense variant. On other transcripts: non-coding transcript variant (1).
Genome position (GRCh38, 1-based): chr1:102,970,265, G>A on the plus strand (C>T on the coding strand, the complement: COL11A1 is on the minus strand). VCF-style: chr1-102970265-G-A. GRCh37 (hg19) VCF-style: chr1-103435821-G-A.
Other names: c.2699C>T, p.Pro900Leu (NM_001190709.2); c.2852C>T, p.Pro951Leu (NM_080629.3); c.2468C>T, p.Pro823Leu (NM_080630.4); short protein forms P939L, P951L, P900L, P823L.
Identifiers: ClinVar variation 4740418 (VCV004740418.1).